The following is an entry in ClinVar:

ClinVar aggregate classification (germline): Uncertain significance. Review status: criteria provided, multiple submitters, no conflicts (2 of 4 stars). 2 submissions from 2 submitters: Uncertain significance (2). Last evaluated 2024-06-12.

Allele frequency attached by ClinVar (database versions not stated): gnomAD 0.00001; gnomAD exomes 0.00001; TOPMed 0.00001.
gnomAD v4.1: 86 of 1,614,054 alleles (0.0053%); highest among the groups gnomAD compares: Non-Finnish European, 0.0071%; no homozygotes.

Submissions (2):

Blueprint Genetics
Classification: Uncertain significance. Last evaluated: 2024-06-12. Review status: criteria provided, single submitter. Criteria: ACMG Guidelines, 2015. Collection method: clinical testing. Allele origin: germline.

Labcorp Genetics (formerly Invitae), Labcorp
Classification: Uncertain significance. Last evaluated: 2020-08-26. Review status: criteria provided, single submitter. Criteria: Invitae Variant Classification Sherloc (09022015). Collection method: clinical testing. Allele origin: germline.
Comment: Algorithms developed to predict the effect of missense changes on protein structure and function are either unavailable or do not agree on the potential impact of this missense change (SIFT: "Not Available"; PolyPhen-2: "Benign"; Align-GVGD: "Not Available"). In summary, the available evidence is currently insufficient to determine the role of this variant in disease. Therefore, it has been classified as a Variant of Uncertain Significance. This variant has not been reported in the literature in individuals with ADAMTS18-related conditions. This variant is not present in population databases (ExAC no frequency). This sequence change replaces glutamine with arginine at codon 363 of the ADAMTS18 protein (p.Gln363Arg). The glutamine residue is highly conserved and there is a small physicochemical difference between glutamine and arginine.

NM_199355.4(ADAMTS18):c.1088A>G (p.Gln363Arg)

Gene: ADAMTS18 (ADAM metallopeptidase with thrombospondin type 1 motif 18; minus strand). Cytogenetic location: 16q23.1.
Variant type: single nucleotide variant.
Coding change: c.1088A>G on transcript NM_199355.4 (MANE Select); coding-DNA position 1088, A replaced by G.
Protein change: p.Gln363Arg; replaces glutamine 363 with arginine.
Molecular consequence: missense variant.
Genome position (GRCh38, 1-based): chr16:77,362,233, T>C on the plus strand (A>G on the coding strand, the complement: ADAMTS18 is on the minus strand). VCF-style: chr16-77362233-T-C. GRCh37 (hg19) VCF-style: chr16-77396130-T-C.
Other names: c.572A>G, p.Gln191Arg (NM_001326358.2); short protein forms Q191R, Q363R.
Identifiers: ClinVar variation 1056514 (VCV001056514.6), dbSNP rs1255942547, ClinGen allele CA396836048.
Genomic context (GRCh38, chr16:77,362,233, plus strand): 5'-TGTCTCTTGCCATTCTTTCCAATGAGGGCAGACTGCCATTGACAAAAACTATTCAGAGAC[T>C]GGTCTGCATGATGGTTGATCAATAATCCTCCCTATGGGAAACCCACACAAATCAAAGTGT-3'
Protein context (NP_955387.1, residues 353-373): GGLLINHHAD[Gln363Arg]SLNSFCQWQS